The following is an entry in ClinVar:

NM_001042492.3(NF1):c.4006_4007del (p.Gln1336fs)

Gene: NF1 (neurofibromin 1; plus strand). Cytogenetic location: 17q11.2.
Variant type: Deletion.
Coding change: c.4006_4007del on transcript NM_001042492.3 (MANE Select); coding-DNA positions 4006 to 4007, 2 bases deleted (CA; older notation c.4006_4007delCA).
Protein change: p.Gln1336fs; shifts the reading frame from glutamine 1336.
Molecular consequence: frameshift variant.
Genome position (GRCh38, 1-based): chr17:31,249,015-31,249,016, CA deleted. VCF-style (leftmost placement, unchanged base first): chr17-31249014-CCA-C. GRCh37 (hg19) VCF-style: chr17-29576032-CCA-C.
Other names: c.4006_4007delCA (NM_000267.3); c.4006_4007delCA, p.Gln1336Alafs (NM_000267.4); short protein forms Q1336fs.
Identifiers: ClinVar variation 3237762 (VCV003237762.1), dbSNP rs2508351233.
Genomic context (GRCh38, chr17:31,249,014, plus strand): 5'-TGTTAGGATTTTATTTTTATTTTTTTGTAGGTTAGAACCATCAGAGAGCCTTGAGGAAAA[CCA>C]GCGGAACCTCCTTCAGATGACTGAAAAGTTCTTCCATGCCATCATCAGTTCCTCCTCAGA-3'

ClinVar aggregate classification (germline): Pathogenic (1 of 4 stars; one submission).

Conditions:
Hereditary cancer-predisposing syndrome. Also called: Neoplastic Syndromes, Hereditary; Tumor predisposition; Hereditary neoplastic syndrome; Hereditary Cancer Syndrome. Identifiers: Orphanet 140162, MedGen C0027672, MeSH D009386, MONDO:0015356.
Cardiovascular phenotype. Identifiers: MedGen CN230736.

Submission:

Ambry Genetics
Classification: Pathogenic for Cardiovascular phenotype; Hereditary cancer-predisposing syndrome. Last evaluated: 2023-03-27. Review status: criteria provided, single submitter. Criteria: Ambry Variant Classification Scheme 2023. Collection method: clinical testing. Allele origin: germline.
Comment: The c.4006_4007delCA pathogenic mutation, located in coding exon 30 of the NF1 gene, results from a deletion of two nucleotides at nucleotide positions 4006 to 4007, causing a translational frameshift with a predicted alternate stop codon (p.Q1336Afs*8). This alteration has been observed in at least one individual with a personal and/or family history that is consistent with NF1-related disease (Ambry internal data). This variant is considered to be rare based on population cohorts in the Genome Aggregation Database (gnomAD). This alteration is expected to result in loss of function by premature protein truncation or nonsense-mediated mRNA decay. As such, this alteration is interpreted as a disease-causing mutation.